The following is an entry in ClinVar:

ClinVar aggregate classification (germline): Pathogenic. Review status: criteria provided, single submitter (1 of 4 stars). 2 submissions from 2 submitters: Pathogenic (1). 1 of the submissions does not count toward it. Last evaluated 2024-05-28.

Conditions:
Hereditary cancer-predisposing syndrome. Also called: Neoplastic Syndromes, Hereditary; Hereditary Cancer Syndrome; Tumor predisposition; Hereditary neoplastic syndrome. Identifiers: Orphanet 140162, MedGen C0027672, MeSH D009386, MONDO:0015356.
Malignant tumor of breast. Also called: Malignant breast neoplasm; Cancer breast. Identifiers: MedGen C0006142, MONDO:0007254. Disease mechanism: loss of function.

Submissions (2):

Ambry Genetics
Classification: Pathogenic for Hereditary cancer-predisposing syndrome. Last evaluated: 2024-05-28. Review status: criteria provided, single submitter. Criteria: Ambry Variant Classification Scheme 2023. Collection method: clinical testing. Allele origin: germline.
Comment: The p.E2430* pathogenic mutation (also known as c.7288G>T), located in coding exon 13 of the BRCA2 gene, results from a G to T substitution at nucleotide position 7288. This changes the amino acid from a glutamic acid to a stop codon within coding exon 13. This alteration was identified in an individual diagnosed with breast cancer (Kansuttiviwat C et al. NPJ Genom Med, 2024 Feb;9:9). This variant is considered to be rare based on population cohorts in the Genome Aggregation Database (gnomAD). This alteration is expected to result in loss of function by premature protein truncation or nonsense-mediated mRNA decay. As such, this alteration is interpreted as a disease-causing mutation.

Molecular Genetics, Labor Dr. Heidrich & Kollegen MVZ GmbH
Classification: Likely pathogenic for Breast cancer. Last evaluated: 2023-10-18. Review status: no assertion criteria provided. Collection method: clinical testing. Allele origin: germline. Not counted in ClinVar's aggregate classification.

Literature cited by the submitters: PubMed 38355628 (cited by Ambry Genetics).

NM_000059.4(BRCA2):c.7288G>T (p.Glu2430Ter)

Gene: BRCA2 (BRCA2 DNA repair associated; plus strand). Cytogenetic location: 13q13.1.
Variant type: single nucleotide variant.
Coding change: c.7288G>T on transcript NM_000059.4 (MANE Select); coding-DNA position 7288, G replaced by T.
Protein change: p.Glu2430Ter; replaces glutamic acid 2430 with a stop codon.
Molecular consequence: nonsense. On other transcripts: non-coding transcript variant (1).
Genome position (GRCh38, 1-based): chr13:32,355,141, G>T. VCF-style: chr13-32355141-G-T. GRCh37 (hg19) VCF-style: chr13-32929278-G-T.
Other names: c.7192G>T, p.Glu2398Ter (NM_001406719.1); c.7288G>T, p.Glu2430Ter (NM_001406720.1); c.2356G>T, p.Glu786Ter (NM_001406721.1); c.871G>T, p.Glu291Ter (NM_001406722.1); short protein forms E2398*, E2430*, E291*, E786*.
Identifiers: ClinVar variation 2690994 (VCV002690994.2), dbSNP rs2137557666, ClinGen allele CA387740786.
Genomic context (GRCh38, chr13:32,355,141, plus strand): 5'-TTTAAAACTAAATCACATTTTCACAGAGTTGAACAGTGTGTTAGGAATATTAACTTGGAG[G>T]AAAACAGACAAAAGCAAAACATTGATGGACATGGCTCTGATGATAGTAAAAATAAGATTA-3'